The following is an entry in ClinVar:

ClinVar aggregate classification (germline): Uncertain significance (1 of 4 stars; one submission).

Submission:

Labcorp Genetics (formerly Invitae), Labcorp
Classification: Uncertain significance. Last evaluated: 2022-07-06. Review status: criteria provided, single submitter. Criteria: Invitae Variant Classification Sherloc (09022015). Collection method: clinical testing. Allele origin: germline.
Comment: In summary, the available evidence is currently insufficient to determine the role of this variant in disease. Therefore, it has been classified as a Variant of Uncertain Significance. Algorithms developed to predict the effect of missense changes on protein structure and function (SIFT, PolyPhen-2, Align-GVGD) all suggest that this variant is likely to be disruptive. This variant has not been reported in the literature in individuals affected with NBAS-related conditions. This variant is not present in population databases (gnomAD no frequency). This sequence change replaces glutamine, which is neutral and polar, with arginine, which is basic and polar, at codon 134 of the NBAS protein (p.Gln134Arg).

NM_015909.4(NBAS):c.401A>G (p.Gln134Arg)

Gene: NBAS (NBAS subunit of NRZ tethering complex; minus strand). Cytogenetic location: 2p24.3.
Variant type: single nucleotide variant.
Coding change: c.401A>G on transcript NM_015909.4 (MANE Select); coding-DNA position 401, A replaced by G.
Protein change: p.Gln134Arg; replaces glutamine 134 with arginine.
Molecular consequence: missense variant. On other transcripts: non-coding transcript variant (1).
Genome position (GRCh38, 1-based): chr2:15,539,335, T>C on the plus strand (A>G on the coding strand, the complement: NBAS is on the minus strand). VCF-style: chr2-15539335-T-C. GRCh37 (hg19) VCF-style: chr2-15679459-T-C.
Other names: short protein forms Q134R.
Identifiers: ClinVar variation 1998070 (VCV001998070.4), dbSNP rs2527953443, ClinGen allele CA345888356.